The following is an entry in ClinVar:

NM_144997.7(FLCN):c.555C>A (p.Ser185=)

Gene: FLCN (folliculin; minus strand). Cytogenetic location: 17p11.2.
Variant type: single nucleotide variant.
Coding change: c.555C>A on transcript NM_144997.7 (MANE Select); coding-DNA position 555, C replaced by A.
Protein change: p.Ser185=; no amino-acid change (serine 185 retained).
Molecular consequence: synonymous variant.
Genome position (GRCh38, 1-based): chr17:17,223,985, G>T on the plus strand (C>A on the coding strand, the complement: FLCN is on the minus strand). VCF-style: chr17-17223985-G-T. GRCh37 (hg19) VCF-style: chr17-17127299-G-T.
Other names: c.609C>A, p.Ser203= (NM_001353229.2); c.555C>A, p.Ser185= (NM_001353230.2, NM_001353231.2, NM_144606.7).
Identifiers: ClinVar variation 697411 (VCV000697411.16), dbSNP rs748363919, ClinGen allele CA288317032.
Genomic context (GRCh38, chr17:17,223,985, plus strand): 5'-GAGCGCCTTGCCCTGGAGCTCATCGATGATTCCCCGGACCTTCCCCAGCAGGAAGGGCCA[G>T]GAGTTGATGAGGTAGATCCGGTCCATCATGATGGTGATGATGCTGTACCAGCGCTGGAAG-3'
Protein context (NP_659434.2, residues 175-195): IMMDRIYLIN[Ser185=]WPFLLGKVRG

ClinVar aggregate classification (germline): Conflicting classifications of pathogenicity. Review status: criteria provided, conflicting classifications (1 of 4 stars). 4 submissions from 4 submitters: Uncertain significance (1); Benign (1); Likely benign (2). Last evaluated 2026-01-14.

Conditions:
Birt-Hogg-Dube syndrome. Also called: Birt Hogg Dubé syndrome. Identifiers: Orphanet 122, MedGen C0346010, MONDO:0800444.
Birt-Hogg-Dube syndrome 1 (BHD1). Also called: FIBROFOLLICULOMAS WITH TRICHODISCOMAS AND ACROCHORDONS. Identifiers: Orphanet 122, MedGen CN375946, MONDO:0800445, OMIM 135150.
Hereditary cancer-predisposing syndrome. Also called: Tumor predisposition; Hereditary neoplastic syndrome; Hereditary Cancer Syndrome; Neoplastic Syndromes, Hereditary. Identifiers: Orphanet 140162, MedGen C0027672, MeSH D009386, MONDO:0015356.

gnomAD v4.1: 10 of 1,613,686 alleles (0.00062%); highest among the groups gnomAD compares: Non-Finnish European, 0.00085%; no homozygotes.

Submissions (4):

Labcorp Genetics (formerly Invitae), Labcorp
Classification: Likely benign for Birt-Hogg-Dube syndrome. Last evaluated: 2026-01-14. Review status: criteria provided, single submitter. Criteria: Invitae Variant Classification Sherloc (09022015). Collection method: clinical testing. Allele origin: germline.

Myriad Genetics, Inc.
Classification: Benign for Birt-Hogg-Dube syndrome 1. Last evaluated: 2024-10-23. Review status: criteria provided, single submitter. Criteria: Myriad Autosomal Dominant, Autosomal Recessive and X-Linked Classification Criteria (2023). Collection method: clinical testing. Allele origin: unknown.
Comment: This variant is considered benign. This variant is a silent/synonymous amino acid change and it is not expected to impact splicing.

GeneDx
Classification: Uncertain significance. Last evaluated: 2019-12-03. Review status: criteria provided, single submitter. Criteria: GeneDx Variant Classification Process June 2021. Collection method: clinical testing. Allele origin: germline. Affected: yes.
Comment: Not observed at a significant frequency in large population cohorts (Lek 2016); In silico analysis, which includes splice predictors and evolutionary conservation, supports that this variant does not alter protein structure/function; Has not been previously published as pathogenic or benign to our knowledge

Ambry Genetics
Classification: Likely benign for Hereditary cancer-predisposing syndrome. Last evaluated: 2019-04-10. Review status: criteria provided, single submitter. Criteria: Ambry Variant Classification Scheme 2023. Collection method: clinical testing. Allele origin: germline.